The following is an entry in ClinVar:

ClinVar aggregate classification (germline): Uncertain significance (1 of 4 stars; one submission).

Submission:

Labcorp Genetics (formerly Invitae), Labcorp
Classification: Uncertain significance. Last evaluated: 2023-10-17. Review status: criteria provided, single submitter. Criteria: Invitae Variant Classification Sherloc (09022015). Collection method: clinical testing. Allele origin: germline.
Comment: This sequence change replaces glutamine, which is neutral and polar, with arginine, which is basic and polar, at codon 3509 of the KMT2A protein (p.Gln3509Arg). This variant is not present in population databases (gnomAD no frequency). This variant has not been reported in the literature in individuals affected with KMT2A-related conditions. Advanced modeling of protein sequence and biophysical properties (such as structural, functional, and spatial information, amino acid conservation, physicochemical variation, residue mobility, and thermodynamic stability) performed at Invitae indicates that this missense variant is not expected to disrupt KMT2A protein function. In summary, the available evidence is currently insufficient to determine the role of this variant in disease. Therefore, it has been classified as a Variant of Uncertain Significance.

NM_001197104.2(KMT2A):c.10526A>G (p.Gln3509Arg)

Gene: KMT2A (lysine methyltransferase 2A; plus strand). Cytogenetic location: 11q23.3.
Variant type: single nucleotide variant.
Coding change: c.10526A>G on transcript NM_001197104.2 (MANE Select); coding-DNA position 10526, A replaced by G.
Protein change: p.Gln3509Arg; replaces glutamine 3509 with arginine.
Molecular consequence: missense variant.
Genome position (GRCh38, 1-based): chr11:118,506,418, A>G. VCF-style: chr11-118506418-A-G. GRCh37 (hg19) VCF-style: chr11-118377133-A-G.
Other names: c.10616A>G, p.Gln3539Arg (NM_001412597.1); c.10517A>G, p.Gln3506Arg (NM_005933.4); short protein forms Q3509R, Q3506R, Q3539R.
Identifiers: ClinVar variation 2769638 (VCV002769638.3), dbSNP rs2497031690, ClinGen allele CA382826061.